The following is an entry in ClinVar:

NM_014714.4(IFT140):c.1502G>A (p.Arg501Gln)

Genes: IFT140 (intraflagellar transport 140; minus strand), LOC105371046 (uncharacterized LOC105371046; plus strand). Cytogenetic location: 16p13.3.
Variant type: single nucleotide variant.
Coding change: c.1502G>A on transcript NM_014714.4 (MANE Select); coding-DNA position 1502, G replaced by A.
Protein change: p.Arg501Gln; replaces arginine 501 with glutamine.
Molecular consequence: missense variant.
Genome position (GRCh38, 1-based): chr16:1,580,781, C>T on the plus strand (G>A on the coding strand, the complement: IFT140 is on the minus strand). VCF-style: chr16-1580781-C-T. GRCh37 (hg19) VCF-style: chr16-1630782-C-T.
Other names: short protein forms R501Q.
Identifiers: ClinVar variation 2173520 (VCV002173520.2), dbSNP rs770643403, ClinGen allele CA7814264.
Genomic context (GRCh38, chr16:1,580,781, plus strand): 5'-CTCTGCTCTGGTTTTCTTGCAGTGGAGCAGCAACTTACCTGCCAGGTTCGAACTTGAACT[C>T]GGTTTGACTCCACCGTGTAAACGTTTTCTTCATGCATTGCTAACACAGGCGTCTCACACA-3'
Protein context (NP_055529.2, residues 491-511): EENVYTVESN[Arg501Gln]VQVRTWQGTV

ClinVar aggregate classification (germline): Uncertain significance. Review status: criteria provided, multiple submitters, no conflicts (2 of 4 stars). 2 submissions from 2 submitters: Uncertain significance (2). Last evaluated 2022-07-12.

Conditions:
Saldino-Mainzer syndrome (SRTD9). Also called: Renal dysplasia, retinal pigmentary dystrophy, cerebellar ataxia and skeletal dysplasia; short-rib thoracic dysplasia 9 with or without polydactyly; CONORENAL SYNDROME; SHORT-RIB THORACIC DYSPLASIA 9 WITHOUT POLYDACTYLY. Identifiers: Orphanet 140969, MedGen C1849437, MONDO:0009964, OMIM 266920.

Allele frequency attached by ClinVar (database versions not stated): TOPMed below 0.00001; ExAC 0.00001; gnomAD 0.00001.
gnomAD v4.1: 24 of 1,613,716 alleles (0.0015%); highest among the groups gnomAD compares: East Asian, 0.0022%; no homozygotes.

Submissions (2):

Labcorp Genetics (formerly Invitae), Labcorp
Classification: Uncertain significance for Saldino-Mainzer syndrome. Last evaluated: 2022-07-12. Review status: criteria provided, single submitter. Criteria: Invitae Variant Classification Sherloc (09022015). Collection method: clinical testing. Allele origin: germline.
Comment: This sequence change replaces arginine, which is basic and polar, with glutamine, which is neutral and polar, at codon 501 of the IFT140 protein (p.Arg501Gln). This variant is present in population databases (rs770643403, gnomAD 0.005%). This variant has not been reported in the literature in individuals affected with IFT140-related conditions. Algorithms developed to predict the effect of missense changes on protein structure and function (SIFT, PolyPhen-2, Align-GVGD) all suggest that this variant is likely to be tolerated. In summary, the available evidence is currently insufficient to determine the role of this variant in disease. Therefore, it has been classified as a Variant of Uncertain Significance.

Blueprint Genetics
Classification: Uncertain significance. Last evaluated: 2021-06-22. Review status: criteria provided, single submitter. Criteria: ACMG Guidelines, 2015. Collection method: clinical testing. Allele origin: germline.